The following is an entry in ClinVar:

ClinVar aggregate classification (germline): Uncertain significance. Review status: reviewed by expert panel (3 of 4 stars). 2 submissions from 2 submitters: Uncertain significance (1). 1 of the submissions does not count toward it. Last evaluated 2024-09-12.

Conditions:
Hereditary thrombocytopenia and hematological cancer predisposition syndrome associated with RUNX1. Also called: RUNX1 Familial Platelet Disorder with Associated Myeloid Malignancies; Familial Platelet Disorder with Propensity to Acute Myelogenous Leukemia; Familial thrombocytopenia with propensity to acute myelogenous leukemia; PLATELET DISORDER, ASPIRIN-LIKE. Identifiers: Orphanet 71290, MedGen C1832388, MeSH C563324, MONDO:0100083, OMIM 601399.
Hereditary thrombocytopenia and hematologic cancer predisposition syndrome. Identifiers: Orphanet 71290, MedGen CN281654, MONDO:0011071.

Submissions (2):

ClinGen Myeloid Malignancy Variant Curation Expert Panel
Classification: Uncertain significance for Hereditary thrombocytopenia and hematologic cancer predisposition syndrome. Last evaluated: 2024-09-12. Review status: reviewed by expert panel. Criteria: ClinGen MyeloMalig ACMG Specifications v2. Collection method: curation. Allele origin: germline. Inheritance: Autosomal dominant inheritance.
Comment: NM_001754.5(RUNX1):c.1295G>C (p.Cys432Ser) is a missense variant which is present in only 1 individual in gnomAD 2.0 with at least 20x coverage for RUNX1 (PM2_supporting). This missense variant has a REVEL score <0.50 (0.467) and a Splice AI score <0.20 (BP4). In summary, the clinical significance of this variant is uncertain. ACMG/AMP criteria applied, as specified by the Myeloid Malignancy Variant Curation Expert Panel for RUNX1: BP4, PM2_supporting.

Labcorp Genetics (formerly Invitae), Labcorp
Classification: Uncertain significance for Hereditary thrombocytopenia and hematological cancer predisposition syndrome associated with RUNX1. Last evaluated: 2021-11-24. Review status: criteria provided, single submitter. Criteria: Invitae Variant Classification Sherloc (09022015). Collection method: clinical testing. Allele origin: germline. Not counted in ClinVar's aggregate classification.
Comment: Algorithms developed to predict the effect of missense changes on protein structure and function are either unavailable or do not agree on the potential impact of this missense change (SIFT: "Deleterious"; PolyPhen-2: "Probably Damaging"; Align-GVGD: "Class C0"). In summary, the available evidence is currently insufficient to determine the role of this variant in disease. Therefore, it has been classified as a Variant of Uncertain Significance. This variant has not been reported in the literature in individuals affected with RUNX1-related conditions. This variant is not present in population databases (gnomAD no frequency). This sequence change replaces cysteine, which is neutral and slightly polar, with serine, which is neutral and polar, at codon 432 of the RUNX1 protein (p.Cys432Ser).

NM_001754.5(RUNX1):c.1295G>C (p.Cys432Ser)

Gene: RUNX1 (RUNX family transcription factor 1; minus strand). Cytogenetic location: 21q22.12.
Variant type: single nucleotide variant.
Coding change: c.1295G>C on transcript NM_001754.5 (MANE Select); coding-DNA position 1295, G replaced by C.
Protein change: p.Cys432Ser; replaces cysteine 432 with serine.
Molecular consequence: missense variant.
Genome position (GRCh38, 1-based): chr21:34,792,283, C>G on the plus strand (G>C on the coding strand, the complement: RUNX1 is on the minus strand). VCF-style: chr21-34792283-C-G. GRCh37 (hg19) VCF-style: chr21-36164580-C-G.
Other names: NM_001754.5(RUNX1):c.1295G>C; p.Cys432Ser; c.1214G>C, p.Cys405Ser (NM_001001890.3); short protein forms C432S, C405S.
Identifiers: ClinVar variation 1470171 (VCV001470171.7), dbSNP rs1279963921, ClinGen allele CA410147474.
Genomic context (GRCh38, chr21:34,792,283, plus strand): 5'-ACGTCGCTCTGGTTCGGGAGGCTGGGGTTGAGCAGCGCGGAGCCGGTGGAGGCGTTGGTG[C>G]AGGGCGGCAGGATGCGCGGCGGCGAGCGCTCGCCGCCCACCATGGAGAACTGGTAGGAGC-3'
Protein context (NP_001745.2, residues 422-442): ERSPPRILPP[Cys432Ser]TNASTGSALL